The following is an entry in ClinVar:

ClinVar aggregate classification (germline): Uncertain significance (1 of 4 stars; one submission).

Conditions:
Autoimmune lymphoproliferative syndrome, type III caused by mutation in PRKCD. Identifiers: Orphanet 3261, Orphanet 664711, MedGen C3809928, MONDO:8000024, OMIM 615559.

Allele frequency attached by ClinVar (database versions not stated): ExAC 0.00007; gnomAD exomes 0.00001; gnomAD 0.00001; TOPMed 0.00002.
gnomAD v4.1: 17 of 1,597,732 alleles (0.0011%); highest among the groups gnomAD compares: Admixed American, 0.017%; no homozygotes.

Submission:

Labcorp Genetics (formerly Invitae), Labcorp
Classification: Uncertain significance for Autoimmune lymphoproliferative syndrome, type III caused by mutation in PRKCD. Last evaluated: 2022-12-29. Review status: criteria provided, single submitter. Criteria: Invitae Variant Classification Sherloc (09022015). Collection method: clinical testing. Allele origin: germline.
Comment: In summary, the available evidence is currently insufficient to determine the role of this variant in disease. Therefore, it has been classified as a Variant of Uncertain Significance. Algorithms developed to predict the effect of missense changes on protein structure and function are either unavailable or do not agree on the potential impact of this missense change (SIFT: "Deleterious"; PolyPhen-2: "Probably Damaging"; Align-GVGD: "Class C0"). This variant has not been reported in the literature in individuals affected with PRKCD-related conditions. This variant is present in population databases (rs782581303, gnomAD 0.03%). This sequence change replaces serine, which is neutral and polar, with leucine, which is neutral and non-polar, at codon 89 of the PRKCD protein (p.Ser89Leu).

NM_006254.4(PRKCD):c.266C>T (p.Ser89Leu)

Gene: PRKCD (protein kinase C delta; plus strand). Cytogenetic location: 3p21.1.
Variant type: single nucleotide variant.
Coding change: c.266C>T on transcript NM_006254.4 (MANE Select); coding-DNA position 266, C replaced by T.
Protein change: p.Ser89Leu; replaces serine 89 with leucine.
Molecular consequence: missense variant.
Genome position (GRCh38, 1-based): chr3:53,179,727, C>T. VCF-style: chr3-53179727-C-T. GRCh37 (hg19) VCF-style: chr3-53213743-C-T.
Other names: c.266C>T, p.Ser89Leu (NM_001316327.2, NM_001354679.2, NM_001354680.2 and 1 more transcripts); c.323C>T, p.Ser108Leu (NM_001354676.2); c.314C>T, p.Ser105Leu (NM_001354678.2); short protein forms S89L, S105L, S108L.
Identifiers: ClinVar variation 2054654 (VCV002054654.2), dbSNP rs782581303, ClinGen allele CA2451717.